The following is an entry in ClinVar:

ClinVar aggregate classification (germline): Uncertain significance (1 of 4 stars; one submission).

Conditions:
Joubert syndrome. Also called: CEREBELLOPARENCHYMAL DISORDER IV; JOUBERT-BOLTSHAUSER SYNDROME; Familial aplasia of the vermis. Identifiers: Orphanet 475, MedGen C5979921, MONDO:0018772.

Allele frequency attached by ClinVar (database versions not stated): gnomAD 0.00001 and 0.00002; TOPMed 0.00003.
gnomAD v4.1: 4 of 1,613,722 alleles (0.00025%); highest among the groups gnomAD compares: African/African-American, 0.0013%; no homozygotes.

Submission:

Labcorp Genetics (formerly Invitae), Labcorp
Classification: Uncertain significance for Joubert syndrome. Last evaluated: 2022-04-13. Review status: criteria provided, single submitter. Criteria: Invitae Variant Classification Sherloc (09022015). Collection method: clinical testing. Allele origin: germline.
Comment: This sequence change replaces threonine, which is neutral and polar, with serine, which is neutral and polar, at codon 969 of the AHI1 protein (p.Thr969Ser). This variant is not present in population databases (gnomAD no frequency). This variant has not been reported in the literature in individuals affected with AHI1-related conditions. Advanced modeling of protein sequence and biophysical properties (such as structural, functional, and spatial information, amino acid conservation, physicochemical variation, residue mobility, and thermodynamic stability) performed at Invitae indicates that this missense variant is not expected to disrupt AHI1 protein function. In summary, the available evidence is currently insufficient to determine the role of this variant in disease. Therefore, it has been classified as a Variant of Uncertain Significance.

NM_001134831.2(AHI1):c.2905A>T (p.Thr969Ser)

Gene: AHI1 (Abelson helper integration site 1; minus strand). Cytogenetic location: 6q23.3.
Variant type: single nucleotide variant.
Coding change: c.2905A>T on transcript NM_001134831.2 (MANE Select); coding-DNA position 2905, A replaced by T.
Protein change: p.Thr969Ser; replaces threonine 969 with serine.
Molecular consequence: missense variant.
Genome position (GRCh38, 1-based): chr6:135,411,404, T>A on the plus strand (A>T on the coding strand, the complement: AHI1 is on the minus strand). VCF-style: chr6-135411404-T-A. GRCh37 (hg19) VCF-style: chr6-135732542-T-A.
Other names: c.2905A>T, p.Thr969Ser (NM_001134830.2, NM_001134832.2, NM_001350503.2 and 2 more transcripts); short protein forms T969S.
Identifiers: ClinVar variation 1366278 (VCV001366278.5), dbSNP rs1012024407, ClinGen allele CA148543571.